The following is an entry in ClinVar:

ClinVar aggregate classification (germline): Likely benign. Review status: criteria provided, single submitter (1 of 4 stars). 2 submissions from 2 submitters: Likely benign (1). 1 of the submissions does not count toward it. Last evaluated 2017-06-13.

Conditions:
MYH9-related disorder. Identifiers: MedGen C1854520.

Allele frequency attached by ClinVar (database versions not stated): gnomAD exomes below 0.00001; gnomAD 0.00001.
gnomAD v4.1: 4 of 1,613,842 alleles (0.00025%); highest among the groups gnomAD compares: South Asian, 0.0033%; no homozygotes.

Submissions (2):

Blueprint Genetics
Classification: Likely benign. Last evaluated: 2017-06-13. Review status: criteria provided, single submitter. Criteria: ACMG Guidelines, 2015. Collection method: clinical testing. Allele origin: germline.

PreventionGenetics, part of Exact Sciences
Classification: Likely benign for MYH9-related condition. Last evaluated: 2020-08-04. Review status: no assertion criteria provided. Collection method: clinical testing. Allele origin: germline. Not counted in ClinVar's aggregate classification.
Comment: This variant is classified as likely benign based on ACMG/AMP sequence variant interpretation guidelines (Richards et al. 2015 PMID: 25741868, with internal and published modifications).

NM_002473.6(MYH9):c.3423A>G (p.Leu1141=)

Gene: MYH9 (myosin heavy chain 9; minus strand). Cytogenetic location: 22q12.3.
Variant type: single nucleotide variant.
Coding change: c.3423A>G on transcript NM_002473.6 (MANE Select); coding-DNA position 3423, A replaced by G.
Protein change: p.Leu1141=; no amino-acid change (leucine 1141 retained).
Molecular consequence: synonymous variant.
Genome position (GRCh38, 1-based): chr22:36,295,567, T>C on the plus strand (A>G on the coding strand, the complement: MYH9 is on the minus strand). VCF-style: chr22-36295567-T-C. GRCh37 (hg19) VCF-style: chr22-36691613-T-C.
Identifiers: ClinVar variation 3036338 (VCV003036338.3), dbSNP rs1293746302, ClinGen allele CA514354860.